The following is an entry in ClinVar:

NM_000214.3(JAG1):c.1060A>T (p.Thr354Ser)

Gene: JAG1 (jagged canonical Notch ligand 1; minus strand). Cytogenetic location: 20p12.2.
Variant type: single nucleotide variant.
Coding change: c.1060A>T on transcript NM_000214.3 (MANE Select); coding-DNA position 1060, A replaced by T.
Protein change: p.Thr354Ser; replaces threonine 354 with serine.
Molecular consequence: missense variant.
Genome position (GRCh38, 1-based): chr20:10,651,641, T>A on the plus strand (A>T on the coding strand, the complement: JAG1 is on the minus strand). VCF-style: chr20-10651641-T-A. GRCh37 (hg19) VCF-style: chr20-10632289-T-A.
Other names: short protein forms T354S.
Identifiers: ClinVar variation 3531155 (VCV003531155.2).

ClinVar aggregate classification (germline): Conflicting classifications of pathogenicity. Review status: criteria provided, conflicting classifications (1 of 4 stars). 2 submissions from 2 submitters: Uncertain significance (1); Likely benign (1). Last evaluated 2025-11-19.

Conditions:
Alagille syndrome due to a JAG1 point mutation. Also called: HEPATIC DUCTULAR HYPOPLASIA, SYNDROMATIC; Alagille Syndrome 1; JAG1-Related Alagille Syndrome. Identifiers: Orphanet 261619, Orphanet 52, MedGen C1956125, MONDO:0016862, OMIM 118450.
Cardiovascular phenotype. Identifiers: MedGen CN230736.

gnomAD v4.1: 2 of 1,613,676 alleles (0.00012%); highest among the groups gnomAD compares: East Asian, 0.0045%; no homozygotes.

Submissions (2):

Labcorp Genetics (formerly Invitae), Labcorp
Classification: Likely benign for Alagille syndrome due to a JAG1 point mutation. Last evaluated: 2025-11-19. Review status: criteria provided, single submitter. Criteria: Invitae Variant Classification Sherloc (09022015). Collection method: clinical testing. Allele origin: germline.

Ambry Genetics
Classification: Uncertain significance for Cardiovascular phenotype. Last evaluated: 2024-06-28. Review status: criteria provided, single submitter. Criteria: Ambry Variant Classification Scheme 2023. Collection method: clinical testing. Allele origin: germline.
Comment: The p.T354S variant (also known as c.1060A>T), located in coding exon 8 of the JAG1 gene, results from an A to T substitution at nucleotide position 1060. The threonine at codon 354 is replaced by serine, an amino acid with similar properties. This amino acid position is conserved. In addition, the in silico prediction for this alteration is inconclusive. Based on the available evidence, the clinical significance of this variant remains unclear.